The following is an entry in ClinVar:

ClinVar aggregate classification (germline): Uncertain significance. Review status: criteria provided, multiple submitters, no conflicts (2 of 4 stars). 2 submissions from 2 submitters: Uncertain significance (2). Last evaluated 2026-07-28.

Conditions:
Inborn genetic diseases. Identifiers: MedGen C0950123, MeSH D030342.
Paget disease of bone 2, early-onset (PDB2). Also called: Paget disease of bone 2. Identifiers: MedGen C4085251, MONDO:0011183, OMIM 602080.
Frontotemporal dementia and/or amyotrophic lateral sclerosis 1 (FTDALS1). Also called: Frontotemporal dementia with motor neuron disease 1; C9orf72 Frontotemporal Dementia and/or Amyotrophic Lateral Sclerosis. Identifiers: Orphanet 275872, MedGen C5779877, MONDO:0007105, OMIM 105550.

Allele frequency attached by ClinVar (database versions not stated): gnomAD exomes below 0.00001; TOPMed below 0.00001.

Submissions (2):

Ambry Genetics
Classification: Uncertain significance for Inborn genetic diseases. Last evaluated: 2026-07-28. Review status: criteria provided, single submitter. Criteria: Ambry Variant Classification Scheme 2023. Collection method: clinical testing. Allele origin: germline.

Labcorp Genetics (formerly Invitae), Labcorp
Classification: Uncertain significance for Paget disease of bone 2, early-onset; Frontotemporal dementia and/or amyotrophic lateral sclerosis 1. Last evaluated: 2025-08-16. Review status: criteria provided, single submitter. Criteria: Invitae Variant Classification Sherloc (09022015). Collection method: clinical testing. Allele origin: germline.
Comment: This sequence change replaces methionine, which is neutral and non-polar, with threonine, which is neutral and polar, at codon 85 of the SQSTM1 protein (p.Met85Thr). This variant is not present in population databases (gnomAD no frequency). This variant has not been reported in the literature in individuals affected with SQSTM1-related conditions. ClinVar contains an entry for this variant (Variation ID: 2924582). Invitae Evidence Modeling of protein sequence and biophysical properties (such as structural, functional, and spatial information, amino acid conservation, physicochemical variation, residue mobility, and thermodynamic stability) indicates that this missense variant is not expected to disrupt SQSTM1 protein function with a negative predictive value of 80%. In summary, the available evidence is currently insufficient to determine the role of this variant in disease. Therefore, it has been classified as a Variant of Uncertain Significance.

NM_003900.5(SQSTM1):c.254T>C (p.Met85Thr)

Gene: SQSTM1 (sequestosome 1; plus strand). Cytogenetic location: 5q35.3.
Variant type: single nucleotide variant.
Coding change: c.254T>C on transcript NM_003900.5 (MANE Select); coding-DNA position 254, T replaced by C.
Protein change: p.Met85Thr; replaces methionine 85 with threonine.
Molecular consequence: missense variant. On other transcripts: initiator codon variant (2).
Genome position (GRCh38, 1-based): chr5:179,823,006, T>C. VCF-style: chr5-179823006-T-C. GRCh37 (hg19) VCF-style: chr5-179250006-T-C.
Other names: c.2T>C, p.Met1Thr (NM_001142298.2, NM_001142299.2); c.254T>C (NM_003900.4); short protein forms M85T, M1T.
Identifiers: ClinVar variation 2924582 (VCV002924582.4), dbSNP rs1757839961, ClinGen allele CA362443100.